The following is an entry in ClinVar:

ClinVar aggregate classification (germline): Likely pathogenic (3 of 4 stars; one submission).

Conditions:
Glanzmann thrombasthenia. Also called: PLATELET GLYCOPROTEIN IIb-IIIa DEFICIENCY; Glanzmann's thrombasthenia; BLEEDING DISORDER, PLATELET-TYPE, 2; THROMBASTHENIA OF GLANZMANN AND NAEGELI; Thrombasthenia. Identifiers: Orphanet 849, MedGen C0040015, MONDO:0100326.

Submission:

ClinGen Platelet Disorders Variant Curation Expert Panel, ClinGen
Classification: Likely pathogenic for Glanzmann thrombasthenia. Last evaluated: 2025-02-18. Review status: reviewed by expert panel. Criteria: ClinGen Platelet ACMG Specifications v2-1. Collection method: curation. Allele origin: germline. Inheritance: Autosomal recessive inheritance.
Comment: The missense variant NM_000419.5(ITGA2B):c.2437C>A (p.His813Asn) has been reported in at least one patient (PMID: 17488698) with mucocutaneous bleeding and impaired aggregation with all agonists except ristocetin, which is highly specific for Glanzmann thrombasthenia. Additionally, αIIbβ3 surface expression was reduced to 4.5%, as measured by flow cytometry (PP4_strong). This variant is absent from gnomAD v4.1 (PM2_Supporting). In summary this variant meets criteria to be classified as Likely Pathogenic for autosomal recessive Glanzmann Thrombasthenia based on the ACMG/AMP criteria applied, as specified by the ClinGen PD VCEP: PP4_strong, PM2_supporting, PM3 (VCEP specifications version 2.1).

NM_000419.5(ITGA2B):c.2437C>A (p.His813Asn)

Gene: ITGA2B (integrin subunit alpha 2b; minus strand). Cytogenetic location: 17q21.31.
Variant type: single nucleotide variant.
Coding change: c.2437C>A on transcript NM_000419.5 (MANE Select); coding-DNA position 2437, C replaced by A.
Protein change: p.His813Asn; replaces histidine 813 with asparagine.
Molecular consequence: missense variant.
Genome position (GRCh38, 1-based): chr17:44,376,096, G>T on the plus strand (C>A on the coding strand, the complement: ITGA2B is on the minus strand). VCF-style: chr17-44376096-G-T. GRCh37 (hg19) VCF-style: chr17-42453464-G-T.
Other names: NM_000419.5:c.2437C>A; short protein forms H813N.
Identifiers: ClinVar variation 1691458 (VCV001691458.3), dbSNP rs1196551352, ClinGen allele CA399795907.